The following is an entry in ClinVar:

NM_001903.5(CTNNA1):c.1192A>C (p.Asn398His)

Gene: CTNNA1 (catenin alpha 1; plus strand). Cytogenetic location: 5q31.2.
Variant type: single nucleotide variant.
Coding change: c.1192A>C on transcript NM_001903.5 (MANE Select); coding-DNA position 1192, A replaced by C.
Protein change: p.Asn398His; replaces asparagine 398 with histidine.
Molecular consequence: missense variant. On other transcripts: 5 prime UTR variant (5), intron variant (2).
Genome position (GRCh38, 1-based): chr5:138,887,538, A>C. VCF-style: chr5-138887538-A-C. GRCh37 (hg19) VCF-style: chr5-138223227-A-C.
Other names: c.1192A>C, p.Asn398His (NM_001290307.3, NM_001323982.2, NM_001323983.1 and 3 more transcripts); c.883A>C, p.Asn295His (NM_001290309.3); c.823A>C, p.Asn275His (NM_001290310.3); c.82A>C, p.Asn28His (NM_001290312.1, NM_001323987.1, NM_001323988.1 and 18 more transcripts); c.-316A>C (NM_001324006.1, NM_001324007.1, NM_001324008.1 and 1 more transcripts); c.-191A>C (NM_001324013.1); c.-58+11941A>C (NM_001324012.1); c.-61+11941A>C (NM_001324010.1); short protein forms N295H, N398H, N275H, N28H.
Identifiers: ClinVar variation 647640 (VCV000647640.11), dbSNP rs773003463, ClinGen allele CA361133040.

ClinVar aggregate classification (germline): Uncertain significance. Review status: criteria provided, multiple submitters, no conflicts (2 of 4 stars). 3 submissions from 3 submitters: Uncertain significance (3). Last evaluated 2026-01-12.

Conditions:
Hereditary cancer-predisposing syndrome. Also called: Hereditary Cancer Syndrome; Tumor predisposition; Hereditary neoplastic syndrome; Neoplastic Syndromes, Hereditary. Identifiers: Orphanet 140162, MedGen C0027672, MeSH D009386, MONDO:0015356.

Allele frequency attached by ClinVar (database versions not stated): TOPMed 0.00002.
gnomAD v4.1: 25 of 1,611,558 alleles (0.0016%); highest among the groups gnomAD compares: Non-Finnish European, 0.002%; no homozygotes.

Submissions (3):

Labcorp Genetics (formerly Invitae), Labcorp
Classification: Uncertain significance. Last evaluated: 2026-01-12. Review status: criteria provided, single submitter. Criteria: Invitae Variant Classification Sherloc (09022015). Collection method: clinical testing. Allele origin: germline.
Comment: This sequence change replaces asparagine, which is neutral and polar, with histidine, which is basic and polar, at codon 398 of the CTNNA1 protein (p.Asn398His). This variant is present in population databases (no rsID available, gnomAD 0.0009%). This variant has not been reported in the literature in individuals affected with CTNNA1-related conditions. ClinVar contains an entry for this variant (Variation ID: 647640). Invitae Evidence Modeling of protein sequence and biophysical properties (such as structural, functional, and spatial information, amino acid conservation, physicochemical variation, residue mobility, and thermodynamic stability) indicates that this missense variant is not expected to disrupt CTNNA1 protein function with a negative predictive value of 80%. In summary, the available evidence is currently insufficient to determine the role of this variant in disease. Therefore, it has been classified as a Variant of Uncertain Significance.

Ambry Genetics
Classification: Uncertain significance for Hereditary cancer-predisposing syndrome. Last evaluated: 2024-08-09. Review status: criteria provided, single submitter. Criteria: Ambry Variant Classification Scheme 2023. Collection method: clinical testing. Allele origin: germline.
Comment: The p.N398H variant (also known as c.1192A>C), located in coding exon 8 of the CTNNA1 gene, results from an A to C substitution at nucleotide position 1192. The asparagine at codon 398 is replaced by histidine, an amino acid with similar properties. This amino acid position is highly conserved in available vertebrate species. In addition, this alteration is predicted to be tolerated by in silico analysis. The evidence for this gene-disease relationship is limited; therefore, the clinical significance of this alteration is unclear.

GeneDx
Classification: Uncertain significance. Last evaluated: 2023-12-13. Review status: criteria provided, single submitter. Criteria: GeneDx Variant Classification Process June 2021. Collection method: clinical testing. Allele origin: germline. Affected: yes.
Comment: Not observed at significant frequency in large population cohorts (gnomAD); In silico analysis supports that this missense variant has a deleterious effect on protein structure/function; Has not been previously published as pathogenic or benign to our knowledge